The following is an entry in ClinVar:

ClinVar aggregate classification (germline): Uncertain significance. Review status: criteria provided, multiple submitters, no conflicts (2 of 4 stars). 3 submissions from 3 submitters: Uncertain significance (3). Last evaluated 2026-03-10.

Conditions:
Inborn genetic diseases. Identifiers: MedGen C0950123, MeSH D030342.
Early-infantile DEE. Also called: Early infantile epileptic encephalopathy; Early infantile epileptic encephalopathy with suppression bursts; Ohtahara syndrome. Identifiers: Orphanet 1934, MedGen C0393706, MONDO:0800491.

Allele frequency attached by ClinVar (database versions not stated): gnomAD exomes below 0.00001.
gnomAD v4.1: 3 of 1,613,632 alleles (0.00019%); highest among the groups gnomAD compares: Non-Finnish European, 0.00025%; no homozygotes.

Submissions (3):

Ambry Genetics
Classification: Uncertain significance for Inborn genetic diseases. Last evaluated: 2026-03-10. Review status: criteria provided, single submitter. Criteria: Ambry Variant Classification Scheme 2023. Collection method: clinical testing. Allele origin: germline.
Comment: The c.2515G>T (p.V839F) alteration is located in exon 8 (coding exon 8) of the HCN1 gene. This alteration results from a G to T substitution at nucleotide position 2515, causing the valine (V) at amino acid position 839 to be replaced by a phenylalanine (F). Based on data from gnomAD, the T allele has an overall frequency of <0.001% (1/250276) total alleles studied. The highest observed frequency was 0.001% (1/113076) of European (non-Finnish) alleles. Based on insufficient or conflicting evidence, the clinical significance of this alteration remains unclear.

GeneDx
Classification: Uncertain significance. Last evaluated: 2025-07-17. Review status: criteria provided, single submitter. Criteria: GeneDx Variant Classification Process June 2021. Collection method: clinical testing. Allele origin: germline. Affected: yes.
Comment: Not observed at significant frequency in large population cohorts (gnomAD); In silico analysis suggests that this missense variant does not alter protein structure/function; Has not been previously published as pathogenic or benign to our knowledge

Labcorp Genetics (formerly Invitae), Labcorp
Classification: Uncertain significance for Early-infantile DEE. Last evaluated: 2024-10-26. Review status: criteria provided, single submitter. Criteria: Invitae Variant Classification Sherloc (09022015). Collection method: clinical testing. Allele origin: germline.
Comment: This sequence change replaces valine, which is neutral and non-polar, with phenylalanine, which is neutral and non-polar, at codon 839 of the HCN1 protein (p.Val839Phe). This variant is present in population databases (no rsID available, gnomAD 0.0009%). This variant has not been reported in the literature in individuals affected with HCN1-related conditions. ClinVar contains an entry for this variant (Variation ID: 1058999). Invitae Evidence Modeling of protein sequence and biophysical properties (such as structural, functional, and spatial information, amino acid conservation, physicochemical variation, residue mobility, and thermodynamic stability) indicates that this missense variant is not expected to disrupt HCN1 protein function with a negative predictive value of 95%. In summary, the available evidence is currently insufficient to determine the role of this variant in disease. Therefore, it has been classified as a Variant of Uncertain Significance.

NM_021072.4(HCN1):c.2515G>T (p.Val839Phe)

Gene: HCN1 (hyperpolarization activated cyclic nucleotide gated potassium channel 1; minus strand). Cytogenetic location: 5p12.
Variant type: single nucleotide variant.
Coding change: c.2515G>T on transcript NM_021072.4 (MANE Select); coding-DNA position 2515, G replaced by T.
Protein change: p.Val839Phe; replaces valine 839 with phenylalanine.
Molecular consequence: missense variant.
Genome position (GRCh38, 1-based): chr5:45,262,079, C>A on the plus strand (G>T on the coding strand, the complement: HCN1 is on the minus strand). VCF-style: chr5-45262079-C-A. GRCh37 (hg19) VCF-style: chr5-45262181-C-A.
Other names: c.2515G>T (NM_021072.3); short protein forms V839F.
Identifiers: ClinVar variation 1058999 (VCV001058999.12), dbSNP rs1328423751, ClinGen allele CA359703188.
Genomic context (GRCh38, chr5:45,262,079, plus strand): 5'-CTGGAGGGACTCCTCGGTTCGGGGGGATGGCTCCCGACGACATCTGTCGGAAGAGGGTGA[C>A]GCGCTGCGGGACAGTGCTCCTGCCCCCTGCCTGAAGGCCCGTTCCGGGGACCGCCGTCAC-3'
Protein context (NP_066550.2, residues 829-849): AGGRSTVPQR[Val839Phe]TLFRQMSSGA